The following is an entry in ClinVar:

ClinVar aggregate classification (germline): Conflicting classifications of pathogenicity. Review status: criteria provided, conflicting classifications (1 of 4 stars). 4 submissions from 4 submitters: Uncertain significance (1); Benign (1); Likely benign (2). Last evaluated 2025-09-04.

Conditions:
Hereditary cancer-predisposing syndrome. Also called: Hereditary neoplastic syndrome; Neoplastic Syndromes, Hereditary; Hereditary Cancer Syndrome; Tumor predisposition. Identifiers: Orphanet 140162, MedGen C0027672, MeSH D009386, MONDO:0015356.
Hereditary leiomyomatosis and renal cell cancer. Also called: MULTIPLE CUTANEOUS AND UTERINE LEIOMYOMATA 1, WITH OR WITHOUT RENAL CELL CARCINOMA; LEIOMYOMA, MULTIPLE CUTANEOUS; Familial leiomyomatosis; Multiple cutaneous leiomyomas; FH tumor predisposition syndrome; Reed syndrome. Identifiers: Orphanet 523, MedGen C1708350, MONDO:0007888, OMIM 150800, HP:0007437. Disease mechanism: loss of function.

Allele frequency attached by ClinVar (database versions not stated): ExAC 0.00001; gnomAD 0.00001; 1000 Genomes Project 30x 0.00016; 1000 Genomes Project 0.00020.
gnomAD v4.1: 4 of 1,614,090 alleles (0.00025%); highest among the groups gnomAD compares: South Asian, 0.0044%; no homozygotes.

Submissions (4):

Labcorp Genetics (formerly Invitae), Labcorp
Classification: Likely benign. Last evaluated: 2025-09-04. Review status: criteria provided, single submitter. Criteria: Invitae Variant Classification Sherloc (09022015). Collection method: clinical testing. Allele origin: germline.

Myriad Genetics, Inc.
Classification: Benign for Hereditary leiomyomatosis and renal cell cancer. Last evaluated: 2024-10-21. Review status: criteria provided, single submitter. Criteria: Myriad Autosomal Dominant, Autosomal Recessive and X-Linked Classification Criteria (2023). Collection method: clinical testing. Allele origin: unknown.
Comment: This variant is considered benign. This variant is a silent/synonymous amino acid change and it is not expected to impact splicing.

Quest Diagnostics Nichols Institute San Juan Capistrano
Classification: Uncertain significance. Last evaluated: 2023-06-14. Review status: criteria provided, single submitter. Criteria: Quest Diagnostics criteria. Collection method: clinical testing. Allele origin: unknown.
Comment: To the best of our knowledge, this variant has not been reported in the published literature. The frequency of this variant in the general population, 0.0000066 (1/152178 chromosomes (Genome Aggregation Database)), is uninformative in the assessment of its pathogenicity. Analysis of this variant using software algorithms for the prediction of the effect of nucleotide changes on splicing yielded predictions that this variant does not affect FH mRNA splicing . Based on the available information, we are unable to determine the clinical significance of this variant.

Ambry Genetics
Classification: Likely benign for Hereditary cancer-predisposing syndrome. Last evaluated: 2022-10-24. Review status: criteria provided, single submitter. Criteria: Ambry Variant Classification Scheme 2023. Collection method: clinical testing. Allele origin: germline.

NM_000143.4(FH):c.1119C>T (p.Asn373=)

Gene: FH (fumarate hydratase; minus strand). Cytogenetic location: 1q43.
Variant type: single nucleotide variant.
Coding change: c.1119C>T on transcript NM_000143.4 (MANE Select); coding-DNA position 1119, C replaced by T.
Protein change: p.Asn373=; no amino-acid change (asparagine 373 retained).
Molecular consequence: synonymous variant.
Genome position (GRCh38, 1-based): chr1:241,502,560, G>A on the plus strand (C>T on the coding strand, the complement: FH is on the minus strand). VCF-style: chr1-241502560-G-A. GRCh37 (hg19) VCF-style: chr1-241665860-G-A.
Identifiers: ClinVar variation 529828 (VCV000529828.15), dbSNP rs542014575, ClinGen allele CA1478538.